The following is an entry in ClinVar:

NM_004820.5(CYP7B1):c.478A>G (p.Asn160Asp)

Gene: CYP7B1 (cytochrome P450 family 7 subfamily B member 1; minus strand). Cytogenetic location: 8q12.3.
Variant type: single nucleotide variant.
Coding change: c.478A>G on transcript NM_004820.5 (MANE Select); coding-DNA position 478, A replaced by G.
Protein change: p.Asn160Asp; replaces asparagine 160 with aspartic acid.
Molecular consequence: missense variant.
Genome position (GRCh38, 1-based): chr8:64,616,063, T>C on the plus strand (A>G on the coding strand, the complement: CYP7B1 is on the minus strand). VCF-style: chr8-64616063-T-C. GRCh37 (hg19) VCF-style: chr8-65528620-T-C.
Other names: c.478A>G, p.Asn160Asp (NM_001324112.2); c.478A>G (NM_004820.3); short protein forms N160D.
Identifiers: ClinVar variation 502050 (VCV000502050.13), dbSNP rs775784484, ClinGen allele CA4764200.

ClinVar aggregate classification (germline): Uncertain significance. Review status: criteria provided, multiple submitters, no conflicts (2 of 4 stars). 4 submissions from 4 submitters: Uncertain significance (4). Last evaluated 2025-10-15.

Conditions:
Spastic paraplegia. Identifiers: MedGen C0037772, HP:0001258.
Inborn genetic diseases. Identifiers: MedGen C0950123, MeSH D030342.

Allele frequency attached by ClinVar (database versions not stated): gnomAD exomes 0.00001 and 0.00002; ExAC 0.00001; TOPMed 0.00001; gnomAD 0.00002.
gnomAD v4.1: 13 of 1,613,666 alleles (0.00081%); highest among the groups gnomAD compares: Non-Finnish European, 0.0011%; no homozygotes.

Submissions (4):

Ambry Genetics
Classification: Uncertain significance for Inborn genetic diseases. Last evaluated: 2025-10-15. Review status: criteria provided, single submitter. Criteria: Ambry Variant Classification Scheme 2023. Collection method: clinical testing. Allele origin: germline.

Revvity Omics, Revvity
Classification: Uncertain significance. Last evaluated: 2022-04-25. Review status: criteria provided, single submitter. Criteria: ACMG Guidelines, 2015. Collection method: clinical testing. Allele origin: germline.

Labcorp Genetics (formerly Invitae), Labcorp
Classification: Uncertain significance for Spastic paraplegia. Last evaluated: 2021-08-14. Review status: criteria provided, single submitter. Criteria: Invitae Variant Classification Sherloc (09022015). Collection method: clinical testing. Allele origin: germline.
Comment: This sequence change replaces asparagine with aspartic acid at codon 160 of the CYP7B1 protein (p.Asn160Asp). The asparagine residue is highly conserved and there is a small physicochemical difference between asparagine and aspartic acid. This variant is present in population databases (rs775784484, ExAC 0.002%). This variant has not been reported in the literature in individuals affected with CYP7B1-related conditions. ClinVar contains an entry for this variant (Variation ID: 502050). Algorithms developed to predict the effect of missense changes on protein structure and function output the following: SIFT: "Tolerated"; PolyPhen-2: "Benign"; Align-GVGD: "Class C0". The aspartic acid amino acid residue is found in multiple mammalian species, which suggests that this missense change does not adversely affect protein function. In summary, the available evidence is currently insufficient to determine the role of this variant in disease. Therefore, it has been classified as a Variant of Uncertain Significance.

Eurofins Ntd Llc (ga)
Classification: Uncertain significance. Last evaluated: 2017-05-19. Review status: criteria provided, single submitter. Criteria: EGL Classification Definitions 2015. Collection method: clinical testing. Allele origin: germline. Observed: 1 variant allele, 1 heterozygote.